The following is an entry in ClinVar:

ClinVar aggregate classification (germline): Uncertain significance (1 of 4 stars; one submission).

Allele frequency attached by ClinVar (database versions not stated): TOPMed below 0.00001; gnomAD exomes 0.00001.

Submission:

Labcorp Genetics (formerly Invitae), Labcorp
Classification: Uncertain significance. Last evaluated: 2022-01-05. Review status: criteria provided, single submitter. Criteria: Invitae Variant Classification Sherloc (09022015). Collection method: clinical testing. Allele origin: germline.
Comment: This sequence change replaces histidine, which is basic and polar, with tyrosine, which is neutral and polar, at codon 90 of the FAM161A protein (p.His90Tyr). This variant is present in population databases (no rsID available, gnomAD 0.003%). This variant has not been reported in the literature in individuals affected with FAM161A-related conditions. Algorithms developed to predict the effect of missense changes on protein structure and function output the following: SIFT: "Tolerated"; PolyPhen-2: "Benign"; Align-GVGD: "Class C0". The tyrosine amino acid residue is found in multiple mammalian species, which suggests that this missense change does not adversely affect protein function. In summary, the available evidence is currently insufficient to determine the role of this variant in disease. Therefore, it has been classified as a Variant of Uncertain Significance.

NM_001201543.2(FAM161A):c.268C>T (p.His90Tyr)

Gene: FAM161A (FAM161 centrosomal protein A; minus strand). Cytogenetic location: 2p15.
Variant type: single nucleotide variant.
Coding change: c.268C>T on transcript NM_001201543.2 (MANE Select); coding-DNA position 268, C replaced by T.
Protein change: p.His90Tyr; replaces histidine 90 with tyrosine.
Molecular consequence: missense variant. On other transcripts: non-coding transcript variant (1).
Genome position (GRCh38, 1-based): chr2:61,842,276, G>A on the plus strand (C>T on the coding strand, the complement: FAM161A is on the minus strand). VCF-style: chr2-61842276-G-A. GRCh37 (hg19) VCF-style: chr2-62069411-G-A.
Other names: c.268C>T, p.His90Tyr (NM_032180.3); short protein forms H90Y.
Identifiers: ClinVar variation 1461616 (VCV001461616.5), dbSNP rs1324919414, ClinGen allele CA346989564.